The following is an entry in ClinVar:

NM_024570.4(RNASEH2B):c.639T>A (p.His213Gln)

Gene: RNASEH2B (ribonuclease H2 subunit B; plus strand). Cytogenetic location: 13q14.3.
Variant type: single nucleotide variant.
Coding change: c.639T>A on transcript NM_024570.4 (MANE Select); coding-DNA position 639, T replaced by A.
Protein change: p.His213Gln; replaces histidine 213 with glutamine.
Molecular consequence: missense variant.
Genome position (GRCh38, 1-based): chr13:50,948,009, T>A. VCF-style: chr13-50948009-T-A. GRCh37 (hg19) VCF-style: chr13-51522145-T-A.
Other names: c.639T>A, p.His213Gln (NM_001142279.2); short protein forms H213Q.
Identifiers: ClinVar variation 1410990 (VCV001410990.6), dbSNP rs1265842301, ClinGen allele CA388259819.

ClinVar aggregate classification (germline): Uncertain significance (1 of 4 stars; one submission).

Conditions:
Aicardi-Goutieres syndrome 2. Identifiers: Orphanet 51, MedGen C3489724, MONDO:0012429, OMIM 610181.

Allele frequency attached by ClinVar (database versions not stated): gnomAD exomes below 0.00001 and 0.00003; TOPMed below 0.00001.
gnomAD v4.1: 22 of 1,611,252 alleles (0.0014%); highest among the groups gnomAD compares: Non-Finnish European, 0.0018%; no homozygotes.

Submission:

Labcorp Genetics (formerly Invitae), Labcorp
Classification: Uncertain significance for Aicardi-Goutieres syndrome 2. Last evaluated: 2022-06-13. Review status: criteria provided, single submitter. Criteria: Invitae Variant Classification Sherloc (09022015). Collection method: clinical testing. Allele origin: germline.
Comment: In summary, the available evidence is currently insufficient to determine the role of this variant in disease. Therefore, it has been classified as a Variant of Uncertain Significance. Algorithms developed to predict the effect of sequence changes on RNA splicing suggest that this variant may create or strengthen a splice site. Algorithms developed to predict the effect of missense changes on protein structure and function are either unavailable or do not agree on the potential impact of this missense change (SIFT: "Tolerated"; PolyPhen-2: "Possibly Damaging"; Align-GVGD: "Class C0"). This variant has not been reported in the literature in individuals affected with RNASEH2B-related conditions. This variant is present in population databases (no rsID available, gnomAD 0.0009%). This sequence change replaces histidine, which is basic and polar, with glutamine, which is neutral and polar, at codon 213 of the RNASEH2B protein (p.His213Gln).